The following is an entry in ClinVar:

NM_000135.4(FANCA):c.1508dup (p.Tyr503Ter)

Gene: FANCA (FA complementation group A; minus strand). Cytogenetic location: 16q24.3.
Variant type: Duplication.
Coding change: c.1508dup on transcript NM_000135.4 (MANE Select); coding-DNA position 1508, one base duplicated (A; older notation c.1508dupA).
Protein change: p.Tyr503Ter; replaces tyrosine 503 with a stop codon.
Molecular consequence: nonsense.
Genome position (GRCh38, 1-based): chr16:89,783,065, T duplicated on the plus strand (A on the coding strand, the reverse complement: FANCA is on the minus strand). VCF-style (leftmost placement, unchanged base first): chr16-89783064-G-GT. GRCh37 (hg19) VCF-style: chr16-89849472-G-GT.
Other names: c.1508dup, p.Tyr503Ter (NM_001286167.3); short protein forms Y503*.
Identifiers: ClinVar variation 974312 (VCV000974312.1), dbSNP rs2039775751, ClinGen allele CA1139665028.
Genomic context (GRCh38, chr16:89,783,064, plus strand): 5'-TGCCTTGAGGTCGGCCAGCCGTGTCTTGGCCAATGAGATGTAGTCTGTGAGGAGGGAGCG[G>GT]TACTTGCCGGGAACCAGGGGTGGGTGGAGAATGTGCACCTGAGGATAGATAGCAGAGCGC-3'

ClinVar aggregate classification (germline): Pathogenic (0 of 4 stars; one submission).

Conditions:
Fanconi anemia complementation group A (FANCA). Also called: Fanconi anemia, group A; FANCA-Related Fanconi Anemia. Identifiers: Orphanet 84, MedGen C3469521, MONDO:0009215, OMIM 227650.

Submission:

Leiden Open Variation Database
Classification: Pathogenic for Fanconi anemia complementation group A. Last evaluated: 2020-02-28. Review status: no assertion criteria provided. Collection method: curation. Allele origin: germline. Affected: yes.
Comment: Curator: Arleen D. Auerbach. Submitter to LOVD: Daniela Pilonetto.